The following is an entry in ClinVar:

NM_000077.5(CDKN2A):c.54G>C (p.Thr18=)

Gene: CDKN2A (cyclin dependent kinase inhibitor 2A; minus strand). Cytogenetic location: 9p21.3.
Variant type: single nucleotide variant.
Coding change: c.54G>C on transcript NM_000077.5; coding-DNA position 54, G replaced by C.
Protein change: p.Thr18=; no amino-acid change (threonine 18 retained).
Molecular consequence: synonymous variant (on NM_000077.6). On other transcripts: intron variant (2).
Genome position (GRCh38, 1-based): chr9:21,974,774, C>G on the plus strand (G>C on the coding strand, the complement: CDKN2A is on the minus strand). VCF-style: chr9-21974774-C-G. GRCh37 (hg19) VCF-style: chr9-21974773-C-G.
Other names: c.54G>C, p.Thr18= (NM_000077.6, NM_001195132.2, NM_058197.5); c.-3-3566G>C (NM_001363763.2); c.194-3566G>C (NM_058195.4).
Identifiers: ClinVar variation 2560570 (VCV002560570.6), dbSNP rs765702324, ClinGen allele CA464100187.

ClinVar aggregate classification (germline): Benign/Likely benign. Review status: criteria provided, multiple submitters, no conflicts (2 of 4 stars). 3 submissions from 3 submitters: Benign (1); Likely benign (2). Last evaluated 2025-08-13.

Conditions:
Hereditary cancer-predisposing syndrome. Also called: Tumor predisposition; Neoplastic Syndromes, Hereditary; Hereditary Cancer Syndrome; Hereditary neoplastic syndrome. Identifiers: Orphanet 140162, MedGen C0027672, MeSH D009386, MONDO:0015356.
Familial melanoma. Also called: Hereditary melanoma; Hereditary cutaneous melanoma. Identifiers: Orphanet 618, MedGen C1512419, MONDO:0018961.
Melanoma-pancreatic cancer syndrome. Identifiers: Orphanet 404560, MedGen C1838547, MONDO:0011713, OMIM 606719. Disease mechanism: loss of function.

gnomAD v4.1: 1 of 1,606,366 alleles (0.000062%); no homozygotes.

Submissions (3):

Myriad Genetics, Inc.
Classification: Benign for Melanoma-pancreatic cancer syndrome. Last evaluated: 2025-08-13. Review status: criteria provided, single submitter. Criteria: Myriad Autosomal Dominant, Autosomal Recessive and X-Linked Classification Criteria (2023). Collection method: clinical testing. Allele origin: unknown.
Comment: This variant is considered benign. This variant is a silent/synonymous amino acid change and it is not expected to impact splicing.

Labcorp Genetics (formerly Invitae), Labcorp
Classification: Likely benign for Familial melanoma. Last evaluated: 2024-02-01. Review status: criteria provided, single submitter. Criteria: Invitae Variant Classification Sherloc (09022015). Collection method: clinical testing. Allele origin: germline.

Ambry Genetics
Classification: Likely benign for Hereditary cancer-predisposing syndrome. Last evaluated: 2023-05-30. Review status: criteria provided, single submitter. Criteria: Ambry Variant Classification Scheme 2023. Collection method: clinical testing. Allele origin: germline.